The following is an entry in ClinVar:

NM_001369.3(DNAH5):c.12601T>C (p.Phe4201Leu)

Gene: DNAH5 (dynein axonemal heavy chain 5; minus strand). Cytogenetic location: 5p15.2.
Variant type: single nucleotide variant.
Coding change: c.12601T>C on transcript NM_001369.3 (MANE Select); coding-DNA position 12601, T replaced by C.
Protein change: p.Phe4201Leu; replaces phenylalanine 4201 with leucine.
Molecular consequence: missense variant.
Genome position (GRCh38, 1-based): chr5:13,717,419, A>G on the plus strand (T>C on the coding strand, the complement: DNAH5 is on the minus strand). VCF-style: chr5-13717419-A-G. GRCh37 (hg19) VCF-style: chr5-13717528-A-G.
Other names: short protein forms F4201L.
Identifiers: ClinVar variation 2000825 (VCV002000825.4), dbSNP rs2546512398, ClinGen allele CA359207414.

ClinVar aggregate classification (germline): Uncertain significance (1 of 4 stars; one submission).

Conditions:
Primary ciliary dyskinesia. Also called: Ciliary dyskinesia. Identifiers: Orphanet 244, MedGen C0008780, MONDO:0016575, HP:0012265.

Submission:

Labcorp Genetics (formerly Invitae), Labcorp
Classification: Uncertain significance for Primary ciliary dyskinesia. Last evaluated: 2022-05-31. Review status: criteria provided, single submitter. Criteria: Invitae Variant Classification Sherloc (09022015). Collection method: clinical testing. Allele origin: germline.
Comment: In summary, the available evidence is currently insufficient to determine the role of this variant in disease. Therefore, it has been classified as a Variant of Uncertain Significance. Advanced modeling of protein sequence and biophysical properties (such as structural, functional, and spatial information, amino acid conservation, physicochemical variation, residue mobility, and thermodynamic stability) performed at Invitae indicates that this missense variant is not expected to disrupt DNAH5 protein function. This sequence change replaces phenylalanine, which is neutral and non-polar, with leucine, which is neutral and non-polar, at codon 4201 of the DNAH5 protein (p.Phe4201Leu). This variant is not present in population databases (gnomAD no frequency). This variant has not been reported in the literature in individuals affected with DNAH5-related conditions.